The following is an entry in ClinVar:

ClinVar aggregate classification (germline): Uncertain significance (1 of 4 stars; one submission).

Submission:

Labcorp Genetics (formerly Invitae), Labcorp
Classification: Uncertain significance. Last evaluated: 2021-07-03. Review status: criteria provided, single submitter. Criteria: Invitae Variant Classification Sherloc (09022015). Collection method: clinical testing. Allele origin: germline.
Comment: This sequence change replaces glutamic acid with lysine at codon 101 of the GNAS protein (p.Glu101Lys). The glutamic acid residue is moderately conserved and there is a small physicochemical difference between glutamic acid and lysine. This variant is not present in population databases (ExAC no frequency). This variant has not been reported in the literature in individuals affected with GNAS-related conditions. Algorithms developed to predict the effect of missense changes on protein structure and function are either unavailable or do not agree on the potential impact of this missense change (SIFT: "Deleterious"; PolyPhen-2: "Benign"; Align-GVGD: "Class C0"). In summary, the available evidence is currently insufficient to determine the role of this variant in disease. Therefore, it has been classified as a Variant of Uncertain Significance.

NM_000516.7(GNAS):c.301G>A (p.Glu101Lys)

Gene: GNAS (GNAS complex locus; plus strand). Cytogenetic location: 20q13.32.
Variant type: single nucleotide variant.
Coding change: c.301G>A on transcript NM_000516.7 (MANE Select); coding-DNA position 301, G replaced by A.
Protein change: p.Glu101Lys; replaces glutamic acid 101 with lysine.
Molecular consequence: missense variant. On other transcripts: 3 prime UTR variant (2).
Genome position (GRCh38, 1-based): chr20:58,903,574, G>A. VCF-style: chr20-58903574-G-A. GRCh37 (hg19) VCF-style: chr20-57478629-G-A.
Other names: c.*162G>A (NM_001077490.3); c.124G>A, p.Glu42Lys (NM_001309840.2, NM_001309861.2); c.*207G>A (NM_016592.5); c.2230G>A, p.Glu744Lys (NM_080425.4); c.259G>A, p.Glu87Lys (NM_080426.4); c.304G>A, p.Glu102Lys (NM_001077488.5); c.256G>A, p.Glu86Lys (NM_001077489.4); short protein forms E102K, E101K, E87K, E86K, E42K, E744K.
Identifiers: ClinVar variation 1357271 (VCV001357271.8), dbSNP rs2146178498, ClinGen allele CA409450314.